The following is an entry in ClinVar:

NM_130398.4(EXO1):c.2009A>G (p.Glu670Gly)

Gene: EXO1 (exonuclease 1; plus strand). Cytogenetic location: 1q43.
Variant type: single nucleotide variant.
Coding change: c.2009A>G on transcript NM_130398.4 (MANE Select); coding-DNA position 2009, A replaced by G.
Protein change: p.Glu670Gly; replaces glutamic acid 670 with glycine.
Molecular consequence: missense variant.
Genome position (GRCh38, 1-based): chr1:241,879,243, A>G. VCF-style: chr1-241879243-A-G. GRCh37 (hg19) VCF-style: chr1-242042545-A-G.
Other names: c.2006A>G, p.Glu669Gly (NM_001319224.2); c.2009A>G, p.Glu670Gly (NM_003686.4, NM_006027.4); short protein forms E669G, E670G.
Identifiers: ClinVar variation 3059237 (VCV003059237.3), dbSNP rs1776148, ClinGen allele CA1481496.

ClinVar aggregate classification (germline): Benign. Review status: criteria provided, single submitter (1 of 4 stars). 2 submissions from 2 submitters: Benign (1). 1 of the submissions does not count toward it. Last evaluated 2024-11-26.

Conditions:
EXO1-related disorder. Also called: EXO1-related condition.

Allele frequency attached by ClinVar (database versions not stated): gnomAD exomes 0.64266; ESP Exome Variant Server 0.65501; ExAC 0.65728; gnomAD 0.66082; TOPMed 0.67357; 1000 Genomes Project 30x 0.68129; 1000 Genomes Project 0.68191.

Submissions (2):

Blueprint Genetics
Classification: Benign. Last evaluated: 2024-11-26. Review status: criteria provided, single submitter. Criteria: ACMG Guidelines, 2015. Collection method: clinical testing. Allele origin: germline.

PreventionGenetics, part of Exact Sciences
Classification: Benign for EXO1-related condition. Last evaluated: 2019-10-17. Review status: no assertion criteria provided. Collection method: clinical testing. Allele origin: germline. Not counted in ClinVar's aggregate classification.
Comment: This variant is classified as benign based on ACMG/AMP sequence variant interpretation guidelines (Richards et al. 2015 PMID: 25741868, with internal and published modifications).